The following is an entry in ClinVar:

ClinVar aggregate classification (germline): Likely benign (1 of 4 stars; one submission).

Submission:

CeGaT Center for Human Genetics Tuebingen
Classification: Likely benign. Last evaluated: 2026-08-01. Review status: criteria provided, single submitter. Criteria: CeGaT Center For Human Genetics Tuebingen Variant Classification Criteria Version 2. Collection method: clinical testing. Allele origin: germline. Affected: yes. Observed: 1 variant allele.
Comment: DNAJC21: PM2:Supporting, BP4, BP7

NM_001012339.3(DNAJC21):c.894T>C (p.Asp298=)

Gene: DNAJC21 (DnaJ heat shock protein family (Hsp40) member C21; plus strand). Cytogenetic location: 5p13.2.
Variant type: single nucleotide variant.
Coding change: c.894T>C on transcript NM_001012339.3 (MANE Select); coding-DNA position 894, T replaced by C.
Protein change: p.Asp298=; no amino-acid change (aspartic acid 298 retained).
Molecular consequence: synonymous variant.
Genome position (GRCh38, 1-based): chr5:34,939,008, T>C. VCF-style: chr5-34939008-T-C. GRCh37 (hg19) VCF-style: chr5-34939113-T-C.
Other names: c.894T>C, p.Asp298= (NM_001348420.2, NM_194283.4).
Identifiers: ClinVar variation 5039825 (VCV005039825.1).